The following is an entry in ClinVar:

ClinVar aggregate classification (germline): Conflicting classifications of pathogenicity. Review status: criteria provided, conflicting classifications (1 of 4 stars). 2 submissions from 2 submitters: Uncertain significance (1); Likely benign (1). Last evaluated 2025-07-02.

Conditions:
Hereditary cancer-predisposing syndrome. Also called: Tumor predisposition; Neoplastic Syndromes, Hereditary; Hereditary neoplastic syndrome; Hereditary Cancer Syndrome. Identifiers: Orphanet 140162, MedGen C0027672, MeSH D009386, MONDO:0015356.
EGFR-related lung cancer (EGFR). Identifiers: MedGen CN130014.

Allele frequency attached by ClinVar (database versions not stated): TOPMed below 0.00001; ESP Exome Variant Server 0.00008.
gnomAD v4.1: 4 of 1,613,510 alleles (0.00025%); highest among the groups gnomAD compares: Non-Finnish European, 0.00034%; no homozygotes.

Submissions (2):

Labcorp Genetics (formerly Invitae), Labcorp
Classification: Uncertain significance for EGFR-related lung cancer. Last evaluated: 2025-07-02. Review status: criteria provided, single submitter. Criteria: Invitae Variant Classification Sherloc (09022015). Collection method: clinical testing. Allele origin: germline.
Comment: This sequence change replaces isoleucine, which is neutral and non-polar, with leucine, which is neutral and non-polar, at codon 1082 of the EGFR protein (p.Ile1082Leu). This variant is present in population databases (rs371229748, gnomAD 0.002%). This variant has not been reported in the literature in individuals affected with EGFR-related conditions. ClinVar contains an entry for this variant (Variation ID: 1020012). An algorithm developed to predict the effect of missense changes on protein structure and function outputs the following: PolyPhen-2: "Benign". The leucine amino acid residue is found in multiple mammalian species, which suggests that this missense change does not adversely affect protein function. In summary, the available evidence is currently insufficient to determine the role of this variant in disease. Therefore, it has been classified as a Variant of Uncertain Significance.

Ambry Genetics
Classification: Likely benign for Hereditary cancer-predisposing syndrome. Last evaluated: 2025-06-09. Review status: criteria provided, single submitter. Criteria: Ambry Variant Classification Scheme 2023. Collection method: clinical testing. Allele origin: germline.

NM_005228.5(EGFR):c.3244A>T (p.Ile1082Leu)

Gene: EGFR (epidermal growth factor receptor; plus strand). Cytogenetic location: 7p11.2.
Variant type: single nucleotide variant.
Coding change: c.3244A>T on transcript NM_005228.5 (MANE Select); coding-DNA position 3244, A replaced by T.
Protein change: p.Ile1082Leu; replaces isoleucine 1082 with leucine.
Molecular consequence: missense variant.
Genome position (GRCh38, 1-based): chr7:55,202,598, A>T. VCF-style: chr7-55202598-A-T. GRCh37 (hg19) VCF-style: chr7-55270291-A-T.
Other names: c.3109A>T, p.Ile1037Leu (NM_001346897.2, NM_001346899.2); c.3244A>T, p.Ile1082Leu (NM_001346898.2); c.3085A>T, p.Ile1029Leu (NM_001346900.2); c.2443A>T, p.Ile815Leu (NM_001346941.2); c.3244A>T (NM_005228.3); short protein forms I1029L, I1037L, I1082L, I815L.
Identifiers: ClinVar variation 1020012 (VCV001020012.11), dbSNP rs371229748, ClinGen allele CA4266334.
Genomic context (GRCh38, chr7:55,202,598, plus strand): 5'-GAAGACAGCTTCTTGCAGCGATACAGCTCAGACCCCACAGGCGCCTTGACTGAGGACAGC[A>T]TAGACGACACCTTCCTCCCAGTGCCTGGTGAGTGGCTTGTCTGGAAACAGTCCTGCTCCT-3'
Protein context (NP_005219.2, residues 1072-1092): DPTGALTEDS[Ile1082Leu]DDTFLPVPEY